The following is an entry in ClinVar:

NM_000038.6(APC):c.110T>C (p.Leu37Pro)

Gene: APC (APC regulator of Wnt signaling pathway; plus strand). Cytogenetic location: 5q22.2.
Variant type: single nucleotide variant.
Coding change: c.110T>C on transcript NM_000038.6 (MANE Select); coding-DNA position 110, T replaced by C.
Protein change: p.Leu37Pro; replaces leucine 37 with proline.
Molecular consequence: missense variant. On other transcripts: 5 prime UTR variant (4), non-coding transcript variant (2), intron variant (11).
Genome position (GRCh38, 1-based): chr5:112,755,000, T>C. VCF-style: chr5-112755000-T-C. GRCh37 (hg19) VCF-style: chr5-112090697-T-C.
Other names: c.110T>C, p.Leu37Pro (NM_001127510.3, NM_001354895.2, NM_001354896.2 and 16 more transcripts); c.-926T>C (NM_001354906.2, NM_001407470.1, NM_001407471.1 and 1 more transcripts); c.166-11326T>C (NM_001407446.1, NM_001354897.2, NM_001354902.2 and 1 more transcripts); c.-42-11326T>C (NM_001407453.1, NM_001354900.2, NM_001354901.2 and 1 more transcripts); c.61-11326T>C (NM_001407451.1, NM_001354898.2, NM_001354904.2); short protein forms L37P.
Identifiers: ClinVar variation 2708659 (VCV002708659.3), dbSNP rs2532138643, ClinGen allele CA16021582.

ClinVar aggregate classification (germline): Uncertain significance (1 of 4 stars; one submission).

Conditions:
Familial adenomatous polyposis 1 (FAP1). Also called: FAMILIAL ADENOMATOUS POLYPOSIS 1, ATTENUATED; POLYPOSIS, ADENOMATOUS INTESTINAL. Identifiers: MedGen C2713442, MONDO:0021056, OMIM 175100. Disease mechanism: loss of function.

Submission:

Labcorp Genetics (formerly Invitae), Labcorp
Classification: Uncertain significance for Familial adenomatous polyposis 1. Last evaluated: 2024-01-10. Review status: criteria provided, single submitter. Criteria: Invitae Variant Classification Sherloc (09022015). Collection method: clinical testing. Allele origin: germline.
Comment: This sequence change replaces leucine, which is neutral and non-polar, with proline, which is neutral and non-polar, at codon 37 of the APC protein (p.Leu37Pro). This variant is not present in population databases (gnomAD no frequency). This variant has not been reported in the literature in individuals affected with APC-related conditions. Advanced modeling of protein sequence and biophysical properties (such as structural, functional, and spatial information, amino acid conservation, physicochemical variation, residue mobility, and thermodynamic stability) performed at Invitae indicates that this missense variant is not expected to disrupt APC protein function with a negative predictive value of 95%. In summary, the available evidence is currently insufficient to determine the role of this variant in disease. Therefore, it has been classified as a Variant of Uncertain Significance.